The following is an entry in ClinVar:

NM_014317.5(PDSS1):c.1123_1134delinsA (p.Gln375fs)

Gene: PDSS1 (decaprenyl diphosphate synthase subunit 1; plus strand). Cytogenetic location: 10p12.1.
Variant type: Indel.
Coding change: c.1123_1134delinsA on transcript NM_014317.5 (MANE Select); coding-DNA positions 1123 to 1134, CAAACAACCTAC replaced by A.
Protein change: p.Gln375fs; shifts the reading frame from glutamine 375.
Molecular consequence: frameshift variant. On other transcripts: 3 prime UTR variant (1).
Genome position (GRCh38, 1-based): chr10:26,746,348-26,746,359, CAAACAACCTAC replaced by A. VCF-style: chr10-26746348-CAAACAACCTAC-A. GRCh37 (hg19) VCF-style: chr10-27035277-CAAACAACCTAC-A.
Other names: c.*11_*22delinsA (NM_001321978.2); c.613_624delinsA, p.Gln205fs (NM_001321979.2); short protein forms Q205fs, Q375fs.
Identifiers: ClinVar variation 1694026 (VCV001694026.4), dbSNP rs2132337753, ClinGen allele CA2580081433.

ClinVar aggregate classification (germline): Conflicting classifications of pathogenicity. Review status: criteria provided, conflicting classifications (1 of 4 stars). 2 submissions from 2 submitters: Likely pathogenic (1); Uncertain significance (1). Last evaluated 2025-08-28.

Conditions:
Deafness-encephaloneuropathy-obesity-valvulopathy syndrome. Identifiers: Orphanet 254898, MedGen C3553354, MONDO:0013837, OMIM 614651.

Submissions (2):

First Genomix Gene Laboratory, Genetic Diagnostics Department
Classification: Likely pathogenic for Deafness-encephaloneuropathy-obesity-valvulopathy syndrome. Last evaluated: 2025-08-28. Review status: criteria provided, single submitter. Criteria: ACMG Guidelines, 2015. Collection method: clinical testing. Allele origin: germline. Inheritance: Autosomal recessive inheritance. Affected: no. Observed: 1 variant allele.

Mayo Clinic Laboratories, Mayo Clinic
Classification: Uncertain significance. Last evaluated: 2021-05-13. Review status: criteria provided, single submitter. Criteria: ACMG Guidelines, 2015. Collection method: clinical testing. Allele origin: germline.